The following is an entry in ClinVar:

NM_015271.5(TRIM2):c.1196C>A (p.Pro399His)

Gene: TRIM2 (tripartite motif containing 2; plus strand). Cytogenetic location: 4q31.3.
Variant type: single nucleotide variant.
Coding change: c.1196C>A on transcript NM_015271.5 (MANE Select); coding-DNA position 1196, C replaced by A.
Protein change: p.Pro399His; replaces proline 399 with histidine.
Molecular consequence: missense variant.
Genome position (GRCh38, 1-based): chr4:153,295,722, C>A. VCF-style: chr4-153295722-C-A. GRCh37 (hg19) VCF-style: chr4-154216874-C-A.
Other names: c.1115C>A, p.Pro372His (NM_001130067.2, NM_001351056.2, NM_001375512.1 and 5 more transcripts); c.1169C>A, p.Pro390His (NM_001351054.2); c.1166C>A, p.Pro389His (NM_001351055.2); c.740C>A, p.Pro247His (NM_001351057.2); c.1289C>A, p.Pro430His (NM_001375488.1); c.1286C>A, p.Pro429His (NM_001375489.1); c.1139C>A, p.Pro380His (NM_001375490.1); c.1136C>A, p.Pro379His (NM_001375491.1); and 3 more; short protein forms P247H, P286H, P287H, P288H, P372H, P379H, P380H, P389H.
Identifiers: ClinVar variation 1010038 (VCV001010038.8), dbSNP rs781013555, ClinGen allele CA358473173.

ClinVar aggregate classification (germline): Uncertain significance (1 of 4 stars; one submission).

Conditions:
Charcot-Marie-Tooth disease type 2R. Also called: CHARCOT-MARIE-TOOTH DISEASE, AXONAL, AUTOSOMAL RECESSIVE, TYPE 2R; Charcot-Marie-Tooth disease, axonal, type 2R; CHARCOT-MARIE-TOOTH NEUROPATHY, TYPE 2R. Identifiers: Orphanet 397968, MedGen C3809655, MONDO:0014208, OMIM 615490.

Submission:

Labcorp Genetics (formerly Invitae), Labcorp
Classification: Uncertain significance for Charcot-Marie-Tooth disease type 2R. Last evaluated: 2020-06-15. Review status: criteria provided, single submitter. Criteria: Invitae Variant Classification Sherloc (09022015). Collection method: clinical testing. Allele origin: germline.
Comment: This sequence change replaces proline with histidine at codon 372 of the TRIM2 protein (p.Pro372His). The proline residue is moderately conserved and there is a moderate physicochemical difference between proline and histidine. In summary, the available evidence is currently insufficient to determine the role of this variant in disease. Therefore, it has been classified as a Variant of Uncertain Significance. Algorithms developed to predict the effect of missense changes on protein structure and function are either unavailable or do not agree on the potential impact of this missense change (SIFT: "Deleterious"; PolyPhen-2: "Possibly Damaging"; Align-GVGD: "Class C0"). This variant has not been reported in the literature in individuals with TRIM2-related conditions. This variant is not present in population databases (ExAC no frequency).